The following is an entry in ClinVar:

NM_000089.4(COL1A2):c.1058C>T (p.Ser353Phe)

Gene: COL1A2 (collagen type I alpha 2 chain; plus strand). Cytogenetic location: 7q21.3.
Variant type: single nucleotide variant.
Coding change: c.1058C>T on transcript NM_000089.4 (MANE Select); coding-DNA position 1058, C replaced by T.
Protein change: p.Ser353Phe; replaces serine 353 with phenylalanine.
Molecular consequence: missense variant.
Genome position (GRCh38, 1-based): chr7:94,410,264, C>T. VCF-style: chr7-94410264-C-T. GRCh37 (hg19) VCF-style: chr7-94039576-C-T.
Other names: short protein forms S353F.
Identifiers: ClinVar variation 1980698 (VCV001980698.5), dbSNP rs1479527618, ClinGen allele CA368221058.
Genomic context (GRCh38, chr7:94,410,264, plus strand): 5'-TGTTTGTCCTTTGACCACTGTTCTGTATTGAACCCTAGGGTGAGCCTGGTCCAGCTGGCT[C>T]CAAAGGAGAGAGCGGTAACAAGGGTGAGCCCGTAAGTAGCTCTATCATCACACTTTTATA-3'
Protein context (NP_000080.2, residues 343-363): GLVGEPGPAG[Ser353Phe]KGESGNKGEP

ClinVar aggregate classification (germline): Uncertain significance. Review status: criteria provided, multiple submitters, no conflicts (2 of 4 stars). 2 submissions from 2 submitters: Uncertain significance (2). Last evaluated 2025-12-29.

Conditions:
Cardiovascular phenotype. Identifiers: MedGen CN230736.
Ehlers-Danlos syndrome, classic type, 1 (EDSCL1). Also called: EHLERS-DANLOS SYNDROME, GRAVIS TYPE; EHLERS-DANLOS SYNDROME, SEVERE CLASSIC TYPE; Ehlers-Danlos syndrome, type 1; EDS I; Ehlers-Danlos Syndrome, Classic Type, COL5A1-Related. Identifiers: MedGen C0268335, MONDO:0019567, OMIM 130000.
Osteogenesis imperfecta type I (OI1). Also called: OI, TYPE I; OSTEOGENESIS IMPERFECTA TARDA; OSTEOGENESIS IMPERFECTA WITH BLUE SCLERAE; Osteogenesis imperfecta type 1; Lobstein's Disease; Lobstein disease. Identifiers: Orphanet 216796, Orphanet 666, MedGen C0023931, MONDO:0008146, OMIM 166200. Disease mechanism: loss of function.

Allele frequency attached by ClinVar (database versions not stated): gnomAD exomes 0.00001.

Submissions (2):

Ambry Genetics
Classification: Uncertain significance for Cardiovascular phenotype. Last evaluated: 2025-12-29. Review status: criteria provided, single submitter. Criteria: Ambry Variant Classification Scheme 2023. Collection method: clinical testing. Allele origin: germline.

Labcorp Genetics (formerly Invitae), Labcorp
Classification: Uncertain significance for Osteogenesis imperfecta type I; Ehlers-Danlos syndrome, classic type, 1. Last evaluated: 2025-04-14. Review status: criteria provided, single submitter. Criteria: Invitae Variant Classification Sherloc (09022015). Collection method: clinical testing. Allele origin: germline.
Comment: This sequence change replaces serine, which is neutral and polar, with phenylalanine, which is neutral and non-polar, at codon 353 of the COL1A2 protein (p.Ser353Phe). This variant is not present in population databases (gnomAD no frequency). This variant has not been reported in the literature in individuals affected with COL1A2-related conditions. ClinVar contains an entry for this variant (Variation ID: 1980698). Invitae Evidence Modeling of protein sequence and biophysical properties (such as structural, functional, and spatial information, amino acid conservation, physicochemical variation, residue mobility, and thermodynamic stability) indicates that this missense variant is not expected to disrupt COL1A2 protein function with a negative predictive value of 95%. In summary, the available evidence is currently insufficient to determine the role of this variant in disease. Therefore, it has been classified as a Variant of Uncertain Significance.